The following is an entry in ClinVar:

ClinVar aggregate classification (germline): Pathogenic (1 of 4 stars; one submission).

Conditions:
Neurofibromatosis, type 1 (NF1). Also called: Peripheral type neurofibromatosis; VON RECKLINGHAUSEN DISEASE; Neurofibromatosis, type I; NEUROFIBROMATOSIS, TYPE I, SOMATIC. Identifiers: Orphanet 636, MedGen C0027831, MONDO:0018975, OMIM 162200. Disease mechanism: loss of function.

Submission:

Labcorp Genetics (formerly Invitae), Labcorp
Classification: Pathogenic for Neurofibromatosis, type 1. Last evaluated: 2022-02-17. Review status: criteria provided, single submitter. Criteria: Invitae Variant Classification Sherloc (09022015). Collection method: clinical testing. Allele origin: germline.
Comment: This sequence change creates a premature translational stop signal (p.Arg2173Glufs*6) in the NF1 gene. It is expected to result in an absent or disrupted protein product. Loss-of-function variants in NF1 are known to be pathogenic (PMID: 10712197, 23913538). For these reasons, this variant has been classified as Pathogenic. ClinVar contains an entry for this variant (Variation ID: 935469). This variant has not been reported in the literature in individuals affected with NF1-related conditions. This variant is not present in population databases (gnomAD no frequency).

Literature cited by the submitters: PubMed 10712197; PubMed 23913538.

NM_001042492.3(NF1):c.6580del (p.Arg2194fs)

Gene: NF1 (neurofibromin 1; plus strand). Cytogenetic location: 17q11.2.
Variant type: Deletion.
Coding change: c.6580del on transcript NM_001042492.3 (MANE Select); coding-DNA position 6580, one base deleted (A; older notation c.6580delA).
Protein change: p.Arg2194fs; shifts the reading frame from arginine 2194.
Molecular consequence: frameshift variant.
Genome position (GRCh38, 1-based): chr17:31,337,520, A deleted. VCF-style (leftmost placement, unchanged base first): chr17-31337519-GA-G. GRCh37 (hg19) VCF-style: chr17-29664537-GA-G.
Other names: c.6517delA, p.Arg2173Glufs (NM_000267.4); short protein forms R2173fs, R2194fs.
Identifiers: ClinVar variation 935469 (VCV000935469.6), dbSNP rs2069707503, ClinGen allele CA1139665450.